The following is an entry in ClinVar:

ClinVar aggregate classification (germline): Conflicting classifications of pathogenicity. Review status: criteria provided, conflicting classifications (1 of 4 stars). 9 submissions from 9 submitters: Pathogenic (2); Likely pathogenic (6); Uncertain significance (1). Last evaluated 2026-08-03.

Conditions:
Autosomal recessive BCS1L-related disorders.
BCS1L-related disorder. Also called: BCS1L-related disorders; BCS1L-related condition. Identifiers: MedGen CN239240.
Pili torti-deafness syndrome (BJS). Also called: Bjornstad syndrome; PILI TORTI AND NERVE DEAFNESS. Identifiers: Orphanet 123, MedGen C0266006, MONDO:0009872, OMIM 262000.
Mitochondrial complex III deficiency nuclear type 1. Identifiers: Orphanet 254902, MedGen C3541471, MONDO:0007415, OMIM 124000.
GRACILE syndrome (FLNMS). Also called: FELLMAN SYNDROME; FINNISH LETHAL NEONATAL METABOLIC SYNDROME. Identifiers: Orphanet 53693, MedGen C1864002, MONDO:0011308, OMIM 603358.

Allele frequency attached by ClinVar (database versions not stated): gnomAD exomes 0.00001 and 0.00004; TOPMed 0.00006; ExAC 0.00007; gnomAD 0.00007 and 0.00009; ESP Exome Variant Server 0.00015.

Submissions (9):

Myriad Genetics, Inc.
Classification: Uncertain significance for BCS1L-related disorder. Last evaluated: 2026-08-03. Review status: criteria provided, single submitter. Criteria: Myriad Autosomal Dominant, Autosomal Recessive and X-Linked Classification Criteria (2023). Collection method: clinical testing. Allele origin: unknown.
Comment: NM_004328.4(BCS1L):c.325C>T(R109W) is a missense variant classified as a variant of uncertain significance in the context of BCS1L-related disorders. R109W has been observed in cases with relevant disease (PMID: 31435670, 34662929, 39992606). Relevant functional assessments of this variant are not available in the literature. R109W has been observed in referenced population frequency databases. In summary, there is insufficient evidence to classify NM_004328.4(BCS1L):c.325C>T(R109W) as pathogenic or benign. Please note: this variant was assessed in the context of healthy population screening.

CeGaT Center for Human Genetics Tuebingen
Classification: Likely pathogenic. Last evaluated: 2026-08-01. Review status: criteria provided, single submitter. Criteria: CeGaT Center For Human Genetics Tuebingen Variant Classification Criteria Version 2. Collection method: clinical testing. Allele origin: germline. Affected: yes. Observed: 1 variant allele.
Comment: BCS1L: PM2, PM3, PP4, PS3:Supporting

Natera, Inc.
Classification: Likely pathogenic for GRACILE syndrome. Last evaluated: 2025-10-20. Review status: criteria provided, single submitter. Criteria: Natera Variant Classification Schema (03/2026). Collection method: clinical testing. Allele origin: germline.
Comment: The c.325C>T variant in BCS1L is a missense variant predicted to cause substitution of arginine to tryptophan at amino acid 109. This variant is rare in the general population with a frequency below the threshold expected for the associated phenotype(s). This variant has been observed in one or more individuals affected with the associated recessive disease, as either homozygous or compound heterozygous with a second variant (PMID: 31435670). Functional studies show that this variant may disrupt protein function (PMID: 31435670). Computational prediction algorithms indicate this variant is likely to affect gene or protein function. Given the available evidence, this variant is classified as Likely Pathogenic.

Labcorp Genetics (formerly Invitae), Labcorp
Classification: Pathogenic. Last evaluated: 2025-06-30. Review status: criteria provided, single submitter. Criteria: Invitae Variant Classification Sherloc (09022015). Collection method: clinical testing. Allele origin: germline.
Comment: This sequence change replaces arginine, which is basic and polar, with tryptophan, which is neutral and slightly polar, at codon 109 of the BCS1L protein (p.Arg109Trp). This variant is present in population databases (rs141257714, gnomAD 0.03%). This missense change has been observed in individuals with BCS1L-related conditions (PMID: 31435670, 34662929). It has also been observed to segregate with disease in related individuals. ClinVar contains an entry for this variant (Variation ID: 214166). Invitae Evidence Modeling of protein sequence and biophysical properties (such as structural, functional, and spatial information, amino acid conservation, physicochemical variation, residue mobility, and thermodynamic stability) has been performed for this missense variant. However, the output from this modeling did not meet the statistical confidence thresholds required to predict the impact of this variant on BCS1L protein function. Experimental studies have shown that this missense change affects BCS1L function (PMID: 31435670). For these reasons, this variant has been classified as Pathogenic.

Variantyx, Inc.
Classification: Likely pathogenic for Autosomal recessive BCS1L-related disorders. Last evaluated: 2025-05-07. Review status: criteria provided, single submitter. Criteria: Variantyx Assertion Criteria 2022. Collection method: clinical testing. Allele origin: germline. Inheritance: Autosomal recessive inheritance. Affected: no.
Comment: This is a nonsynonymous variant in the BCS1L gene (OMIM: 603647). Pathogenic variants in this gene have been associated with autosomal recessive BCS1L-related disorders. This variant has been identified in the homozygous or compound heterozygous state in at least 2 individuals reported in the published literature (PMID: 34662929, 31435670) (PM3). Computational algorithms produce conflicting evidence regarding the predicted functional impact of this variant (REVEL score: 0.521), but functional studies have shown that this variant alters BCS1L protein function (PMID: 31435670) (PS3). This variant has a 0.0187% maximum allele frequency in non-founder control populations (PM2). Based on the current evidence, this variant is classified as likely pathogenic for autosomal recessive BCS1L-related disorders.

Fulgent Genetics
Classification: Likely pathogenic for Mitochondrial complex III deficiency nuclear type 1; Pili torti-deafness syndrome; GRACILE syndrome. Last evaluated: 2024-06-20. Review status: criteria provided, single submitter. Criteria: ACMG Guidelines, 2015. Collection method: clinical testing. Allele origin: germline.

Baylor Genetics
Classification: Likely pathogenic for Pili torti-deafness syndrome. Last evaluated: 2024-02-27. Review status: criteria provided, single submitter. Criteria: ACMG Guidelines, 2015. Collection method: clinical testing. Allele origin: unknown.

GeneDx
Classification: Likely pathogenic. Last evaluated: 2023-10-04. Review status: criteria provided, single submitter. Criteria: GeneDx Variant Classification Process June 2021. Collection method: clinical testing. Allele origin: germline. Affected: yes.
Comment: Functional studies found R109W was unable to rescue oxidation phosphorylation phenotype of BSCIL deficient yeast cells (Olahova et al., 2019); In silico analysis supports that this missense variant has a deleterious effect on protein structure/function; This variant is associated with the following publications: (PMID: 34662929, 31435670)

Women's Health and Genetics/Laboratory Corporation of America, LabCorp
Classification: Pathogenic for GRACILE syndrome. Last evaluated: 2023-03-21. Review status: criteria provided, single submitter. Criteria: LabCorp Variant Classification Summary - May 2015. Collection method: clinical testing. Allele origin: germline.
Comment: Variant summary: BCS1L c.325C>T (p.Arg109Trp) results in a non-conservative amino acid change located in the BCS1, N-terminal domain (IPR014851) of the encoded protein sequence. Four of five in-silico tools predict a damaging effect of the variant on protein function. The variant allele was found at a frequency of 4.4e-05 in 251486 control chromosomes (gnomAD). This frequency is not significantly higher than estimated for a pathogenic variant in BCS1L causing GRACILE Syndrome (4.4e-05 vs 0.00047), allowing no conclusion about variant significance. c.325C>T has been reported in the literature in at least three homozygous individuals, 2 of whom were siblings, affected with GRACILE Syndrome (Olahova_2019, Hikmat_2021). These data indicate that the variant is very likely to be associated with disease. Yeast complementation studies showed that the variant was not able to rescue oxidative phosphorylation in a BCS1L deficient yeast strain, indicating loss of function (Olahova_2019). Two ClinVar submitters have assessed the variant since 2014: one classified the variant as likely pathogenic, and one as pathogenic. Based on the evidence outlined above, the variant was classified as pathogenic.

Literature cited by the submitters: PubMed 31435670 (cited by 5 submitters); PubMed 34662929 (cited by 4 submitters); PubMed 39992606 (cited by Myriad Genetics, Inc.).

NM_001079866.2(BCS1L):c.325C>T (p.Arg109Trp)

Gene: BCS1L (BCS1 ubiquinol-cytochrome c reductase complex chaperone; plus strand). Cytogenetic location: 2q35.
Variant type: single nucleotide variant.
Coding change: c.325C>T on transcript NM_001079866.2 (MANE Select); coding-DNA position 325, C replaced by T.
Protein change: p.Arg109Trp; replaces arginine 109 with tryptophan.
Molecular consequence: missense variant. On other transcripts: 5 prime UTR variant (7), non-coding transcript variant (1), intron variant (1).
Genome position (GRCh38, 1-based): chr2:218,661,410, C>T. VCF-style: chr2-218661410-C-T. GRCh37 (hg19) VCF-style: chr2-219526133-C-T.
Other names: p.R109W:CGG>TGG; c.325C>T, p.Arg109Trp (NM_001257342.2, NM_001257343.2, NM_001257344.2 and 10 more transcripts); c.-36C>T (NM_001318836.2, NM_001371451.1); c.-152C>T (NM_001371453.1, NM_001371454.1, NM_001371455.1 and 2 more transcripts); c.-41-349C>T (NM_001371452.1); short protein forms R109W.
Identifiers: ClinVar variation 214166 (VCV000214166.17), dbSNP rs141257714, ClinGen allele CA324385.